The following is an entry in ClinVar:

ClinVar aggregate classification (germline): Uncertain significance. Review status: reviewed by expert panel (3 of 4 stars). 10 submissions from 10 submitters: Uncertain significance (1). 9 of the submissions do not count toward it. Last evaluated 2024-06-28.

Conditions:
MYO7A-related disorder. Also called: MYO7A-related disorders.
Usher syndrome. Also called: Usher's syndrome; Usher Syndromes. Identifiers: Orphanet 886, MedGen CN469326, MeSH D052245, MONDO:0019501. Disease mechanism: loss of function.
Usher syndrome type 1 (USH1). Also called: RETINITIS PIGMENTOSA AND CONGENITAL DEAFNESS. Identifiers: Orphanet 231169, Orphanet 886, MedGen C1568247, MONDO:0010168, OMIM 276900.
Autosomal recessive nonsyndromic hearing loss 2. Also called: DEAFNESS, AUTOSOMAL RECESSIVE 2; NEUROSENSORY NONSYNDROMIC RECESSIVE DEAFNESS 2. Identifiers: Orphanet 90636, MedGen C1838701, MONDO:0010807, OMIM 600060.
Autosomal dominant nonsyndromic hearing loss 11. Identifiers: Orphanet 90635, MedGen C1832475, MONDO:0011032, OMIM 601317.
Usher syndrome type 1B (USH1B). Also called: Usher syndrome type IB. Identifiers: MedGen C1848638, MONDO:0700087.

Allele frequency attached by ClinVar (database versions not stated): ExAC 0.00018; ESP Exome Variant Server 0.00024; 1000 Genomes Project 30x 0.00031; gnomAD 0.00038 and 0.00043; 1000 Genomes Project 0.00040.

Submissions (10):

ClinGen Hearing Loss Variant Curation Expert Panel
Classification: Uncertain significance for Usher syndrome. Last evaluated: 2024-06-28. Review status: reviewed by expert panel. Criteria: Clingen Hl Acmg Specifications Cdh23 Coch Gjb2 Kcnq4 Myo6 Myo7a Slc26a4 Tecta Ush2a V2. Collection method: curation. Allele origin: germline. Inheritance: Autosomal recessive inheritance.
Comment: The c.19G>A (p.Gly7Arg) variant in MYO7A is a missense variant predicted to cause a substitution of glycine by arginine at amino acid 7. The filtering allele frequency (the lower threshold of the 95% CI of 95/74936) of the c.19G>A in MYO7A is 0.1061% for African/African American chromosomes by gnomAD v4.0.0, which is higher than the ClinGen Hearing Loss VCEP threshold (≥0.0007) for BS1_Supporting, and therefore meets this criterion (BS1_Supporting). Two probands were compound heterozygous with one confirmed trans with the pathogenic c.6377del, p.Pro2126Leufs*5 variant, and the other one assumed in trans with the pathogenic c.634C>T, p.Arg212Cys variant (ClinVar ID: 802700, internal data from Invitae). However, due to the allele frequency meeting BS1_Supporting criteria, PM3 was not applied. The computational predictor REVEL gives a score of 0.926 which is above the threshold of ≥ 0.7 (PP3). In summary, this variant meets the criteria to be classified as uncertain significance for autosomal recessive Usher Syndrome Type 1, based on the ACMG/AMP criteria applied, as specified by the ClinGen Hearing Loss VCEP (BS1_Supporting, PP3; Version 2; 4/17/24).

PreventionGenetics, part of Exact Sciences
Classification: Uncertain significance for MYO7A-related condition. Last evaluated: 2026-06-30. Review status: criteria provided, single submitter. Criteria: ACMG Guidelines, 2015. Collection method: clinical testing. Allele origin: germline. Not counted in ClinVar's aggregate classification.
Comment: The MYO7A c.19G>A variant is predicted to result in the amino acid substitution p.Gly7Arg. To our knowledge, this variant has not been reported in the literature. One laboratory in ClinVar observed this variant in patients with autosomal recessive sensorineural deafness and/or clinical features of Usher syndrome; the variant was in trans with a pathogenic allele in one of the patients. This variant is reported in 0.16% of alleles in individuals of African descent in gnomAD, which is higher than expected for disease causing variant. At this time, the clinical significance of this variant is uncertain due to the absence of conclusive functional and genetic evidence.

Myriad Genetics, Inc.
Classification: Uncertain significance for Usher syndrome type 1. Last evaluated: 2026-03-11. Review status: criteria provided, single submitter. Criteria: Myriad Autosomal Dominant, Autosomal Recessive and X-Linked Classification Criteria (2023). Collection method: clinical testing. Allele origin: unknown. Not counted in ClinVar's aggregate classification.
Comment: NM_000260.3(MYO7A):c.19G>A(G7R) is a missense variant classified as a variant of uncertain significance in the context of MYO7A-related disorders. G7R has been observed in a case with relevant disease (PMID: 27898983). Relevant functional assessments of this variant are not available in the literature. G7R has been observed in referenced population frequency databases. In summary, there is insufficient evidence to classify NM_000260.3(MYO7A):c.19G>A(G7R) as pathogenic or benign. Please note: this variant was assessed in the context of healthy population screening.

Labcorp Genetics (formerly Invitae), Labcorp
Classification: Pathogenic. Last evaluated: 2026-01-17. Review status: criteria provided, single submitter. Criteria: Invitae Variant Classification Sherloc (09022015). Collection method: clinical testing. Allele origin: germline. Not counted in ClinVar's aggregate classification.
Comment: This sequence change replaces glycine, which is neutral and non-polar, with arginine, which is basic and polar, at codon 7 of the MYO7A protein (p.Gly7Arg). This variant is present in population databases (rs372509310, gnomAD 0.2%). This missense change has been observed in individual(s) with autosomal recessive sensorineural deafness and/or clinical features of Usher syndrome (internal data). In at least one individual the data is consistent with being in trans (on the opposite chromosome) from a pathogenic variant. It has also been observed to segregate with disease in related individuals. ClinVar contains an entry for this variant (Variation ID: 802700). An algorithm developed to predict the effect of missense changes on protein structure and function (PolyPhen-2) suggests that this variant is likely to be disruptive. This variant disrupts the p.Gly7 amino acid residue in MYO7A. Other variant(s) that disrupt this residue have been determined to be pathogenic (PMID: 30303587). This suggests that this residue is clinically significant, and that variants that disrupt this residue are likely to be disease-causing. For these reasons, this variant has been classified as Pathogenic.

Dasa
Classification: Uncertain significance. Last evaluated: 2025-04-09. Review status: criteria provided, single submitter. Criteria: DASA Assertion Criteria. Collection method: clinical testing. Allele origin: germline. Not counted in ClinVar's aggregate classification.
Comment: NM_000260.4(MYO7A):c.19G>A (p.Gly7Arg) is a missense variant that results in the substitution of glycine with arginine. The affected residue or protein region has prior evidence supporting clinical relevance. This classification is supported by population frequency inconsistent with a disease-causing role. Computational prediction algorithms are consistent with a deleterious effect. The currently available literature and clinical evidence are not sufficient to establish a definitive association between this variant and the reported condition. Therefore, this variant is classified as a variant of uncertain significance.

GeneDx
Classification: Uncertain significance. Last evaluated: 2025-01-31. Review status: criteria provided, single submitter. Criteria: GeneDx Variant Classification Process June 2021. Collection method: clinical testing. Allele origin: germline. Affected: yes. Not counted in ClinVar's aggregate classification.
Comment: In silico analysis supports that this missense variant has a deleterious effect on protein structure/function; Has not been previously published as pathogenic or benign to our knowledge; Classified as uncertain significance by the ClinGen Hearing Loss Variant Curation Expert Panel (SCV001438401.3; PMID: 30311386)

Fulgent Genetics
Classification: Likely pathogenic for Usher syndrome type 1; Autosomal recessive nonsyndromic hearing loss 2; Autosomal dominant nonsyndromic hearing loss 11. Last evaluated: 2024-04-06. Review status: criteria provided, single submitter. Criteria: ACMG Guidelines, 2015. Collection method: clinical testing. Allele origin: germline. Not counted in ClinVar's aggregate classification.

Blueprint Genetics
Classification: Uncertain significance. Last evaluated: 2023-11-20. Review status: criteria provided, single submitter. Criteria: ACMG Guidelines, 2015. Collection method: clinical testing. Allele origin: germline. Not counted in ClinVar's aggregate classification.

Mendelics
Classification: Uncertain significance for Autosomal recessive nonsyndromic hearing loss 2. Last evaluated: 2023-04-21. Review status: criteria provided, single submitter. Criteria: Mendelics Assertion Criteria 2017. Collection method: clinical testing. Allele origin: unknown. Not counted in ClinVar's aggregate classification.

Natera, Inc.
Classification: Uncertain significance for Usher syndrome type 1B. Last evaluated: 2020-01-20. Review status: no assertion criteria provided. Collection method: clinical testing. Allele origin: germline. Not counted in ClinVar's aggregate classification.

Literature cited by the submitters: PubMed 27898983 (cited by Myriad Genetics, Inc.); PubMed 30303587 (cited by Labcorp Genetics (formerly Invitae), Labcorp).

NM_000260.4(MYO7A):c.19G>A (p.Gly7Arg)

Gene: MYO7A (myosin VIIA; plus strand). Cytogenetic location: 11q13.5.
Variant type: single nucleotide variant.
Coding change: c.19G>A on transcript NM_000260.4 (MANE Select); coding-DNA position 19, G replaced by A.
Protein change: p.Gly7Arg; replaces glycine 7 with arginine.
Molecular consequence: missense variant. On other transcripts: 5 prime UTR variant (1).
Genome position (GRCh38, 1-based): chr11:77,142,709, G>A. VCF-style: chr11-77142709-G-A. GRCh37 (hg19) VCF-style: chr11-76853755-G-A.
Other names: c.19G>A, p.Gly7Arg (NM_001127180.2); c.-15G>A (NM_001369365.1); short protein forms G7R.
Identifiers: ClinVar variation 802700 (VCV000802700.25), dbSNP rs372509310, ClinGen allele CA6197006.